The following is an entry in ClinVar:

ClinVar aggregate classification (germline): Uncertain significance. Review status: criteria provided, single submitter (1 of 4 stars). 2 submissions from 2 submitters: Uncertain significance (1). 1 of the submissions does not count toward it. Last evaluated 2021-08-27.

Conditions:
Fetal akinesia deformation sequence 1 (FADS1). Also called: Pena-Shokeir syndrome type I; Fetal akinesia sequence. Identifiers: Orphanet 994, MedGen C1276035, MONDO:0100101, OMIM 208150, HP:0001989.
Congenital myasthenic syndrome 11. Also called: MYASTHENIC SYNDROME, CONGENITAL, Ie; Myasthenic syndrome, congenital, 11, associated with acetylcholine receptor deficiency. Identifiers: Orphanet 590, MedGen C4225367, MONDO:0014588, OMIM 616326.
Congenital myasthenic syndrome (CMS). Also called: Congenital Myasthenic Syndromes. Identifiers: Orphanet 590, MedGen C0751882, MeSH D020294, MONDO:0018940.

Submissions (2):

Labcorp Genetics (formerly Invitae), Labcorp
Classification: Uncertain significance for Congenital myasthenic syndrome 11; Fetal akinesia deformation sequence 1. Last evaluated: 2021-08-27. Review status: criteria provided, single submitter. Criteria: Invitae Variant Classification Sherloc (09022015). Collection method: clinical testing. Allele origin: germline.
Comment: This sequence change replaces arginine with cysteine at codon 337 of the RAPSN protein (p.Arg337Cys). The arginine residue is highly conserved and there is a large physicochemical difference between arginine and cysteine. This variant is not present in population databases (ExAC no frequency). This variant has not been reported in the literature in individuals affected with RAPSN-related conditions. Algorithms developed to predict the effect of missense changes on protein structure and function are either unavailable or do not agree on the potential impact of this missense change (SIFT: "Deleterious"; PolyPhen-2: "Benign"; Align-GVGD: "Class C0"). In summary, the available evidence is currently insufficient to determine the role of this variant in disease. Therefore, it has been classified as a Variant of Uncertain Significance.

Natera, Inc.
Classification: Uncertain significance for Congenital myasthenic syndrome. Last evaluated: 2021-03-05. Review status: no assertion criteria provided. Collection method: clinical testing. Allele origin: germline. Not counted in ClinVar's aggregate classification.

NM_005055.5(RAPSN):c.1009C>T (p.Arg337Cys)

Gene: RAPSN (receptor associated protein of the synapse; minus strand). Cytogenetic location: 11p11.2.
Variant type: single nucleotide variant.
Coding change: c.1009C>T on transcript NM_005055.5 (MANE Select); coding-DNA position 1009, C replaced by T.
Protein change: p.Arg337Cys; replaces arginine 337 with cysteine.
Molecular consequence: missense variant.
Genome position (GRCh38, 1-based): chr11:47,438,889, G>A on the plus strand (C>T on the coding strand, the complement: RAPSN is on the minus strand). VCF-style: chr11-47438889-G-A. GRCh37 (hg19) VCF-style: chr11-47460440-G-A.
Other names: c.832C>T, p.Arg278Cys (NM_032645.5); short protein forms R337C, R278C.
Identifiers: ClinVar variation 542733 (VCV000542733.7), dbSNP rs549232026, ClinGen allele CA380327816.